The following is an entry in ClinVar:

NM_006092.4(NOD1):c.1369C>T (p.Arg457Trp)

Gene: NOD1 (nucleotide binding oligomerization domain containing 1; minus strand). Cytogenetic location: 7p14.3.
Variant type: single nucleotide variant.
Coding change: c.1369C>T on transcript NM_006092.4 (MANE Select); coding-DNA position 1369, C replaced by T.
Protein change: p.Arg457Trp; replaces arginine 457 with tryptophan.
Molecular consequence: missense variant. On other transcripts: non-coding transcript variant (1).
Genome position (GRCh38, 1-based): chr7:30,452,048, G>A on the plus strand (C>T on the coding strand, the complement: NOD1 is on the minus strand). VCF-style: chr7-30452048-G-A. GRCh37 (hg19) VCF-style: chr7-30491664-G-A.
Other names: c.1369C>T, p.Arg457Trp (NM_001354849.2); short protein forms R457W.
Identifiers: ClinVar variation 103089 (VCV000103089.2), dbSNP rs199475900, ClinGen allele CA230102.

ClinVar aggregate classification (germline): not provided (0 of 4 stars; one submission).

Allele frequency attached by ClinVar (database versions not stated): ExAC 0.00001; gnomAD 0.00001; gnomAD exomes 0.00001 and 0.00002; TOPMed 0.00002.
gnomAD v4.1: 21 of 1,613,502 alleles (0.0013%); highest among the groups gnomAD compares: African/African-American, 0.0027%; no homozygotes.

Submission:

Human Evolutionary Genetics, Institut Pasteur
No classification provided. Review status: no classification provided. Collection method: not provided. Allele origin: germline.
ClinVar note: Converted during submission from untested to not provided.